The following is an entry in ClinVar:

ClinVar aggregate classification (germline): Pathogenic (1 of 4 stars; one submission).

Submission:

Labcorp Genetics (formerly Invitae), Labcorp
Classification: Pathogenic. Last evaluated: 2022-04-07. Review status: criteria provided, single submitter. Criteria: Invitae Variant Classification Sherloc (09022015). Collection method: clinical testing. Allele origin: germline.
Comment: This variant disrupts the p.Gly223 amino acid residue in RUNX2. Other variant(s) that disrupt this residue have been observed in individuals with RUNX2-related conditions (PMID: 20648631, 31548836; Invitae), which suggests that this may be a clinically significant amino acid residue. Algorithms developed to predict the effect of missense changes on protein structure and function (SIFT, PolyPhen-2, Align-GVGD) all suggest that this variant is likely to be disruptive. This missense change has been observed in individual(s) with cleidocranial dysplasia (Invitae). In at least one individual the variant was observed to be de novo. This variant is not present in population databases (gnomAD no frequency). This sequence change replaces glycine, which is neutral and non-polar, with glutamic acid, which is acidic and polar, at codon 223 of the RUNX2 protein (p.Gly223Glu). For these reasons, this variant has been classified as Pathogenic.

Literature cited by the submitters: PubMed 20648631; PubMed 31548836.

NM_001024630.4(RUNX2):c.668G>A (p.Gly223Glu)

Gene: RUNX2 (RUNX family transcription factor 2; plus strand). Cytogenetic location: 6p21.1.
Variant type: single nucleotide variant.
Coding change: c.668G>A on transcript NM_001024630.4 (MANE Select); coding-DNA position 668, G replaced by A.
Protein change: p.Gly223Glu; replaces glycine 223 with glutamic acid.
Molecular consequence: missense variant.
Genome position (GRCh38, 1-based): chr6:45,438,034, G>A. VCF-style: chr6-45438034-G-A. GRCh37 (hg19) VCF-style: chr6-45405771-G-A.
Other names: c.668G>A, p.Gly223Glu (NM_001015051.4); c.626G>A, p.Gly209Glu (NM_001278478.2, NM_001369405.1, NM_004348.3); short protein forms G223E, G209E.
Identifiers: ClinVar variation 2108979 (VCV002108979.4), dbSNP rs2548593578, ClinGen allele CA363955419.